The following is an entry in ClinVar:

ClinVar aggregate classification (germline): Likely benign (0 of 4 stars; one submission).

Conditions:
EPPK1-related disorder. Also called: EPPK1-related condition.

Allele frequency attached by ClinVar (database versions not stated): TOPMed 0.00005; gnomAD 0.00022; 1000 Genomes Project 30x 0.00094; 1000 Genomes Project 0.00100.
gnomAD v4.1: 847 of 1,607,676 alleles (0.053%); highest among the groups gnomAD compares: South Asian, 0.9%; 15 homozygotes.

Submission:

PreventionGenetics, part of Exact Sciences
Classification: Likely benign for EPPK1-related condition. Last evaluated: 2021-06-23. Review status: no assertion criteria provided. Collection method: clinical testing. Allele origin: germline.
Comment: This variant is classified as likely benign based on ACMG/AMP sequence variant interpretation guidelines (Richards et al. 2015 PMID: 25741868, with internal and published modifications).

NM_031308.4(EPPK1):c.4414C>T (p.Leu1472=)

Gene: EPPK1 (epiplakin 1; minus strand). Cytogenetic location: 8q24.3.
Variant type: single nucleotide variant.
Coding change: c.4414C>T on transcript NM_031308.4 (MANE Select); coding-DNA position 4414, C replaced by T.
Protein change: p.Leu1472=; no amino-acid change (leucine 1472 retained).
Molecular consequence: synonymous variant.
Genome position (GRCh38, 1-based): chr8:143,868,840, G>A on the plus strand (C>T on the coding strand, the complement: EPPK1 is on the minus strand). VCF-style: chr8-143868840-G-A. GRCh37 (hg19) VCF-style: chr8-144943008-G-A.
Identifiers: ClinVar variation 3046272 (VCV003046272.2), dbSNP rs541687733, ClinGen allele CA4922499.